The following is an entry in ClinVar:

ClinVar aggregate classification (germline): Uncertain significance (1 of 4 stars; one submission).

Conditions:
Hereditary cancer-predisposing syndrome. Also called: Neoplastic Syndromes, Hereditary; Tumor predisposition; Hereditary Cancer Syndrome; Hereditary neoplastic syndrome. Identifiers: Orphanet 140162, MedGen C0027672, MeSH D009386, MONDO:0015356.

Submission:

Ambry Genetics
Classification: Uncertain significance for Hereditary cancer-predisposing syndrome. Last evaluated: 2017-12-20. Review status: criteria provided, single submitter. Criteria: Ambry Variant Classification Scheme 2023. Collection method: clinical testing. Allele origin: germline.
Comment: The p.H723Q variant (also known as c.2169T>G), located in coding exon 11 of the BARD1 gene, results from a T to G substitution at nucleotide position 2169. The histidine at codon 723 is replaced by glutamine, an amino acid with highly similar properties. A different alteration at this position, p.H723R, was identified in an unselected cohort of triple negative breast cancer patients (Couch FJ et al. J. Clin. Oncol. 2015 Feb;33:304-11). This amino acid position is highly conserved in available vertebrate species. In addition, this alteration is predicted to be deleterious by in silico analysis. Since supporting evidence is limited at this time, the clinical significance of this alteration remains unclear.

NM_000465.4(BARD1):c.2169T>G (p.His723Gln)

Gene: BARD1 (BRCA1 associated RING domain 1; minus strand). Cytogenetic location: 2q35.
Variant type: single nucleotide variant.
Coding change: c.2169T>G on transcript NM_000465.4 (MANE Select); coding-DNA position 2169, T replaced by G.
Protein change: p.His723Gln; replaces histidine 723 with glutamine.
Molecular consequence: missense variant. On other transcripts: non-coding transcript variant (3).
Genome position (GRCh38, 1-based): chr2:214,728,841, A>C on the plus strand (T>G on the coding strand, the complement: BARD1 is on the minus strand). VCF-style: chr2-214728841-A-C. GRCh37 (hg19) VCF-style: chr2-215593565-A-C.
Other names: c.2112T>G, p.His704Gln (NM_001282543.2); c.816T>G, p.His272Gln (NM_001282545.2); c.759T>G, p.His253Gln (NM_001282548.2); c.630T>G, p.His210Gln (NM_001282549.2); short protein forms H210Q, H704Q, H723Q, H253Q, H272Q.
Identifiers: ClinVar variation 820817 (VCV000820817.4), dbSNP rs779808630, ClinGen allele CA2090069.